The following is an entry in ClinVar:

ClinVar aggregate classification (germline): Pathogenic. Review status: criteria provided, multiple submitters, no conflicts (2 of 4 stars). 2 submissions from 2 submitters: Pathogenic (2). Last evaluated 2023-03-17.

Conditions:
Hereditary cancer-predisposing syndrome. Also called: Tumor predisposition; Hereditary Cancer Syndrome; Neoplastic Syndromes, Hereditary; Hereditary neoplastic syndrome. Identifiers: Orphanet 140162, MedGen C0027672, MeSH D009386, MONDO:0015356.

Submissions (2):

Ambry Genetics
Classification: Pathogenic for Hereditary cancer-predisposing syndrome. Last evaluated: 2023-03-17. Review status: criteria provided, single submitter. Criteria: Ambry Variant Classification Scheme 2023. Collection method: clinical testing. Allele origin: germline.
Comment: The c.2670_2671delAG pathogenic mutation, located in coding exon 20 of the MSH3 gene, results from a deletion of two nucleotides at nucleotide positions 2670 to 2671, causing a translational frameshift with a predicted alternate stop codon (p.R890Sfs*57). This alteration is expected to result in loss of function by premature protein truncation or nonsense-mediated mRNA decay. As such, this alteration is interpreted as a disease-causing mutation.

Labcorp Genetics (formerly Invitae), Labcorp
Classification: Pathogenic. Last evaluated: 2022-07-27. Review status: criteria provided, single submitter. Criteria: Invitae Variant Classification Sherloc (09022015). Collection method: clinical testing. Allele origin: germline.
Comment: This sequence change creates a premature translational stop signal (p.Arg890Serfs*57) in the MSH3 gene. It is expected to result in an absent or disrupted protein product. Loss-of-function variants in MSH3 are known to be pathogenic (PMID: 27476653). This variant is present in population databases (no rsID available, gnomAD 0.0009%). This variant has not been reported in the literature in individuals affected with MSH3-related conditions. For these reasons, this variant has been classified as Pathogenic.

Literature cited by the submitters: PubMed 27476653 (cited by Labcorp Genetics (formerly Invitae), Labcorp).

NM_002439.5(MSH3):c.2670_2671del (p.Arg890fs)

Gene: MSH3 (mutS homolog 3; plus strand). Cytogenetic location: 5q14.1.
Variant type: Microsatellite.
Coding change: c.2670_2671del on transcript NM_002439.5 (MANE Select); coding-DNA positions 2670 to 2671, 2 bases deleted (AG; older notation c.2670_2671delAG).
Protein change: p.Arg890fs; shifts the reading frame from arginine 890.
Molecular consequence: frameshift variant.
Genome position (GRCh38, 1-based): chr5:80,813,598-80,813,599, AG deleted; deleting any 2 consecutive bases within chr5:80,813,592-80,813,599 gives the same sequence; the c. name uses the placement nearest the transcript's 3' end. VCF-style (leftmost placement, unchanged base first): chr5-80813591-CAG-C. GRCh37 (hg19) VCF-style: chr5-80109410-CAG-C.
Other names: short protein forms R890fs.
Identifiers: ClinVar variation 821653 (VCV000821653.9), dbSNP rs1561486632, ClinGen allele CA560769502.
Genomic context (GRCh38, chr5:80,813,591, plus strand): 5'-TATTATCAAAAACTTTTCTGGTACAATAAGTGAAATTCCTTTCTAATTTTCAGGAGGACT[CAG>C]AGAGAGTAATGATAATTACCGGACCAAACATGGGTGGAAAGAGCTCCTACATAAAACAAG-3'